The following is an entry in ClinVar:

ClinVar aggregate classification (germline): Pathogenic (1 of 4 stars; one submission).

Submission:

Labcorp Genetics (formerly Invitae), Labcorp
Classification: Pathogenic. Last evaluated: 2024-01-02. Review status: criteria provided, single submitter. Criteria: Invitae Variant Classification Sherloc (09022015). Collection method: clinical testing. Allele origin: germline.
Comment: This sequence change creates a premature translational stop signal (p.Leu572*) in the FAM161A gene. It is expected to result in an absent or disrupted protein product. Loss-of-function variants in FAM161A are known to be pathogenic (PMID: 20705278, 20705279, 24651477). This variant is not present in population databases (gnomAD no frequency). This variant has not been reported in the literature in individuals affected with FAM161A-related conditions. For these reasons, this variant has been classified as Pathogenic.

Literature cited by the submitters: PubMed 20705278; PubMed 20705279; PubMed 24651477.

NM_001201543.2(FAM161A):c.1715T>G (p.Leu572Ter)

Gene: FAM161A (FAM161 centrosomal protein A; minus strand). Cytogenetic location: 2p15.
Variant type: single nucleotide variant.
Coding change: c.1715T>G on transcript NM_001201543.2 (MANE Select); coding-DNA position 1715, T replaced by G.
Protein change: p.Leu572Ter; replaces leucine 572 with a stop codon.
Molecular consequence: nonsense. On other transcripts: intron variant (1).
Genome position (GRCh38, 1-based): chr2:61,838,574, A>C on the plus strand (T>G on the coding strand, the complement: FAM161A is on the minus strand). VCF-style: chr2-61838574-A-C. GRCh37 (hg19) VCF-style: chr2-62065709-A-C.
Other names: c.1583+847T>G (NM_032180.3); short protein forms L572*.
Identifiers: ClinVar variation 2707080 (VCV002707080.3), dbSNP rs1323094309, ClinGen allele CA346985924.